The following is an entry in ClinVar:

ClinVar aggregate classification (germline): Uncertain significance (1 of 4 stars; one submission).

Allele frequency attached by ClinVar (database versions not stated): ExAC 0.00001; gnomAD exomes 0.00001.
gnomAD v4.1: 4 of 1,613,790 alleles (0.00025%); highest among the groups gnomAD compares: Admixed American, 0.0017%; no homozygotes.

Submission:

Ambry Genetics
Classification: Uncertain significance. Last evaluated: 2022-09-10. Review status: criteria provided, single submitter. Criteria: Ambry Variant Classification Scheme 2023. Collection method: clinical testing. Allele origin: germline.
Comment: The p.A328T variant (also known as c.982G>A), located in coding exon 10 of the KIF1B gene, results from a G to A substitution at nucleotide position 982. The alanine at codon 328 is replaced by threonine, an amino acid with similar properties. This amino acid position is conserved. In addition, this alteration is predicted to be deleterious by in silico analysis. Since supporting evidence is limited at this time, the clinical significance of this alteration remains unclear.

NM_001365951.3(KIF1B):c.1000G>A (p.Ala334Thr)

Gene: KIF1B (kinesin family member 1B; plus strand). Cytogenetic location: 1p36.22.
Variant type: single nucleotide variant.
Coding change: c.1000G>A on transcript NM_001365951.3 (MANE Select); coding-DNA position 1000, G replaced by A.
Protein change: p.Ala334Thr; replaces alanine 334 with threonine.
Molecular consequence: missense variant.
Genome position (GRCh38, 1-based): chr1:10,276,362, G>A. VCF-style: chr1-10276362-G-A. GRCh37 (hg19) VCF-style: chr1-10336420-G-A.
Other names: c.1000G>A, p.Ala334Thr (NM_001365952.1); c.982G>A, p.Ala328Thr (NM_001365953.1, NM_015074.3, NM_183416.4); short protein forms A328T, A334T.
Identifiers: ClinVar variation 1768339 (VCV001768339.2), dbSNP rs761570473, ClinGen allele CA580862.